The following is an entry in ClinVar:

ClinVar aggregate classification (germline): Uncertain significance. Review status: criteria provided, single submitter (1 of 4 stars). 2 submissions from 2 submitters: Uncertain significance (1). 1 of the submissions does not count toward it. Last evaluated 2024-11-14.

Conditions:
MAN2C1-related disorder. Also called: MAN2C1-related condition.

Allele frequency attached by ClinVar (database versions not stated): ESP Exome Variant Server 0.00008; ExAC 0.00012; gnomAD 0.00013; TOPMed 0.00015.
gnomAD v4.1: 90 of 1,614,138 alleles (0.0056%); highest among the groups gnomAD compares: Middle Eastern, 0.082%; 1 homozygote.

Submissions (2):

Ambry Genetics
Classification: Uncertain significance. Last evaluated: 2024-11-14. Review status: criteria provided, single submitter. Criteria: Ambry Variant Classification Scheme 2023. Collection method: clinical testing. Allele origin: germline.

PreventionGenetics, part of Exact Sciences
Classification: Uncertain significance for MAN2C1-related condition. Last evaluated: 2024-05-06. Review status: no assertion criteria provided. Collection method: clinical testing. Allele origin: germline. Not counted in ClinVar's aggregate classification.
Comment: The MAN2C1 c.2635G>A variant is predicted to result in the amino acid substitution p.Gly879Ser. To our knowledge, this variant has not been reported in the literature. This variant is reported in 0.026% of alleles in individuals of South Asian descent in gnomAD. At this time, the clinical significance of this variant is uncertain due to the absence of conclusive functional and genetic evidence.

NM_006715.4(MAN2C1):c.2584G>A (p.Gly862Ser)

Genes: MAN2C1 (mannosidase alpha class 2C member 1; minus strand), NEIL1 (nei like DNA glycosylase 1; plus strand). Cytogenetic location: 15q24.2.
Variant type: single nucleotide variant.
Coding change: c.2584G>A on transcript NM_006715.4 (MANE Select); coding-DNA position 2584, G replaced by A.
Protein change: p.Gly862Ser; replaces glycine 862 with serine.
Molecular consequence: missense variant. On other transcripts: 3 prime UTR variant (2), non-coding transcript variant (1).
Genome position (GRCh38, 1-based): chr15:75,356,866, C>T on the plus strand (G>A on the coding strand, the complement: MAN2C1 is on the minus strand). VCF-style: chr15-75356866-C-T. GRCh37 (hg19) VCF-style: chr15-75649207-C-T.
Other names: c.2635G>A, p.Gly879Ser (NM_001256494.2); c.2584G>A, p.Gly862Ser (NM_001256495.2); c.2287G>A, p.Gly763Ser (NM_001256496.2); c.*1832C>T (NM_001352520.2, NM_024608.4); c.2584G>A (NM_006715.2); short protein forms G763S, G862S, G879S.
Identifiers: ClinVar variation 2634552 (VCV002634552.3), dbSNP rs369832470, ClinGen allele CA7666157.